The following is an entry in ClinVar:

NM_001372044.2(SHANK3):c.2220-117C>T

Gene: SHANK3 (SH3 and multiple ankyrin repeat domains 3; plus strand). Cytogenetic location: 22q13.33.
Variant type: single nucleotide variant.
Coding change: c.2220-117C>T on transcript NM_001372044.2 (MANE Select); 117 bases into the intron before coding-DNA position 2220, C replaced by T.
Molecular consequence: intron variant.
Genome position (GRCh38, 1-based): chr22:50,705,955, C>T. VCF-style: chr22-50705955-C-T. GRCh37 (hg19) VCF-style: chr22-51144383-C-T.
Identifiers: ClinVar variation 5041747 (VCV005041747.1).

ClinVar aggregate classification (germline): Uncertain significance (1 of 4 stars; one submission).

Submission:

CeGaT Center for Human Genetics Tuebingen
Classification: Uncertain significance. Last evaluated: 2026-09-01. Review status: criteria provided, single submitter. Criteria: CeGaT Center For Human Genetics Tuebingen Variant Classification Criteria Version 2. Collection method: clinical testing. Allele origin: germline. Affected: yes. Observed: 1 variant allele.
Comment: SHANK3: PM2